The following is an entry in ClinVar:

NM_000548.5(TSC2):c.1036A>T (p.Ile346Phe)

Gene: TSC2 (TSC complex subunit 2; plus strand). Cytogenetic location: 16p13.3.
Variant type: single nucleotide variant.
Coding change: c.1036A>T on transcript NM_000548.5 (MANE Select); coding-DNA position 1036, A replaced by T.
Protein change: p.Ile346Phe; replaces isoleucine 346 with phenylalanine.
Molecular consequence: missense variant.
Genome position (GRCh38, 1-based): chr16:2,060,730, A>T. VCF-style: chr16-2060730-A-T. GRCh37 (hg19) VCF-style: chr16-2110731-A-T.
Other names: c.1036A>T, p.Ile346Phe (NM_001077183.3, NM_001114382.3, NM_001363528.2 and 3 more transcripts); c.925A>T, p.Ile309Phe (NM_001318827.2); c.889A>T, p.Ile297Phe (NM_001318829.2); c.436A>T, p.Ile146Phe (NM_001318831.2); c.1069A>T, p.Ile357Phe (NM_001318832.2); short protein forms I309F, I346F, I357F, I297F, I146F.
Identifiers: ClinVar variation 647936 (VCV000647936.8), dbSNP rs768760795, ClinGen allele CA394317690.

ClinVar aggregate classification (germline): Uncertain significance (1 of 4 stars; one submission).

Conditions:
Tuberous sclerosis 2 (TSC2). Identifiers: Orphanet 805, MedGen C1860707, MONDO:0013199, OMIM 613254.

Submission:

Labcorp Genetics (formerly Invitae), Labcorp
Classification: Uncertain significance for Tuberous sclerosis 2. Last evaluated: 2018-09-08. Review status: criteria provided, single submitter. Criteria: Invitae Variant Classification Sherloc (09022015). Collection method: clinical testing. Allele origin: germline.
Comment: This sequence change replaces isoleucine with phenylalanine at codon 346 of the TSC2 protein (p.Ile346Phe). The isoleucine residue is highly conserved and there is a small physicochemical difference between isoleucine and phenylalanine. This variant is not present in population databases (ExAC no frequency). This variant has not been reported in the literature in individuals with TSC2-related disease. Algorithms developed to predict the effect of missense changes on protein structure and function are either unavailable or do not agree on the potential impact of this missense change (SIFT: "Deleterious"; PolyPhen-2: "Possibly Damaging"; Align-GVGD: "Class C15"). In summary, the available evidence is currently insufficient to determine the role of this variant in disease. Therefore, it has been classified as a Variant of Uncertain Significance.